The following is an entry in ClinVar:

NM_006812.4(OS9):c.744T>G (p.Pro248=)

Gene: OS9 (OS9 endoplasmic reticulum lectin; plus strand). Cytogenetic location: 12q14.1.
Variant type: single nucleotide variant.
Coding change: c.744T>G on transcript NM_006812.4 (MANE Select); coding-DNA position 744, T replaced by G.
Protein change: p.Pro248=; no amino-acid change (proline 248 retained).
Molecular consequence: synonymous variant.
Genome position (GRCh38, 1-based): chr12:57,715,924, T>G. VCF-style: chr12-57715924-T-G. GRCh37 (hg19) VCF-style: chr12-58109707-T-G.
Other names: c.744T>G, p.Pro248= (NM_001017956.3, NM_001017957.3, NM_001017958.3 and 4 more transcripts); c.645T>G, p.Pro215= (NM_001261421.2); c.588T>G, p.Pro196= (NM_001261422.2); c.567T>G, p.Pro189= (NM_001261423.2).
Identifiers: ClinVar variation 2643148 (VCV002643148.24), dbSNP rs73125477, ClinGen allele CA6656151.
Genomic context (GRCh38, chr12:57,715,924, plus strand): 5'-CCCCCACCCTCTCCTCCGGCCCCCACCCAGTGCTGCACCGCAGGCCATCCTCTGTCACCC[T>G]TCCCTACAGCCTGAGGAGTACATGGCCTACGTTCAGAGGCAAGCCGGTGAGTAATTAGAG-3'
Protein context (NP_006803.1, residues 238-258): SAAPQAILCH[Pro248=]SLQPEEYMAY

ClinVar aggregate classification (germline): Likely benign (1 of 4 stars; one submission).

Allele frequency attached by ClinVar (database versions not stated): 1000 Genomes Project 0.00200; 1000 Genomes Project 30x 0.00219; TOPMed 0.00430; ESP Exome Variant Server 0.00546; gnomAD 0.00633; ExAC 0.00726.
gnomAD v4.1: 11,806 of 1,613,030 alleles (0.73%); highest among the groups gnomAD compares: South Asian, 0.81%; 58 homozygotes.

Submission:

CeGaT Center for Human Genetics Tuebingen
Classification: Likely benign. Last evaluated: 2022-10-01. Review status: criteria provided, single submitter. Criteria: CeGaT Center For Human Genetics Tuebingen Variant Classification Criteria Version 2. Collection method: clinical testing. Allele origin: germline. Affected: yes. Observed: 1 variant allele.
Comment: OS9: BP4, BP7